The following is an entry in ClinVar:

NM_145255.4(MRPL10):c.192C>T (p.Cys64=)

Gene: MRPL10 (mitochondrial ribosomal protein L10; minus strand). Cytogenetic location: 17q21.32.
Variant type: single nucleotide variant.
Coding change: c.192C>T on transcript NM_145255.4 (MANE Select); coding-DNA position 192, C replaced by T.
Protein change: p.Cys64=; no amino-acid change (cysteine 64 retained).
Molecular consequence: synonymous variant. On other transcripts: non-coding transcript variant (1).
Genome position (GRCh38, 1-based): chr17:47,828,531, G>A on the plus strand (C>T on the coding strand, the complement: MRPL10 is on the minus strand). VCF-style: chr17-47828531-G-A. GRCh37 (hg19) VCF-style: chr17-45905897-G-A.
Other names: c.222C>T, p.Cys74= (NM_148887.3).
Identifiers: ClinVar variation 3039902 (VCV003039902.2), dbSNP rs141048112, ClinGen allele CA8627607.

ClinVar aggregate classification (germline): Likely benign (0 of 4 stars; one submission).

Conditions:
MRPL10-related disorder. Also called: MRPL10-related condition.

Allele frequency attached by ClinVar (database versions not stated): gnomAD exomes 0.00008; ExAC 0.00043; gnomAD 0.00104; TOPMed 0.00110; ESP Exome Variant Server 0.00131; 1000 Genomes Project 0.00220; 1000 Genomes Project 30x 0.00234.
gnomAD v4.1: 268 of 1,461,174 alleles (0.018%); highest among the groups gnomAD compares: African/African-American, 0.34%; 1 homozygote.

Submission:

PreventionGenetics, part of Exact Sciences
Classification: Likely benign for MRPL10-related condition. Last evaluated: 2019-10-28. Review status: no assertion criteria provided. Collection method: clinical testing. Allele origin: germline.
Comment: This variant is classified as likely benign based on ACMG/AMP sequence variant interpretation guidelines (Richards et al. 2015 PMID: 25741868, with internal and published modifications).